The following is an entry in ClinVar:

ClinVar aggregate classification (germline): Uncertain significance (1 of 4 stars; one submission).

Submission:

Labcorp Genetics (formerly Invitae), Labcorp
Classification: Uncertain significance. Last evaluated: 2025-02-03. Review status: criteria provided, single submitter. Criteria: Invitae Variant Classification Sherloc (09022015). Collection method: clinical testing. Allele origin: germline.
Comment: This sequence change replaces histidine, which is basic and polar, with tyrosine, which is neutral and polar, at codon 350 of the JAK1 protein (p.His350Tyr). This variant is not present in population databases (gnomAD no frequency). This variant has not been reported in the literature in individuals affected with JAK1-related conditions. An algorithm developed to predict the effect of missense changes on protein structure and function outputs the following: PolyPhen-2: "Benign". The tyrosine amino acid residue is found in multiple mammalian species, which suggests that this missense change does not adversely affect protein function. In summary, the available evidence is currently insufficient to determine the role of this variant in disease. Therefore, it has been classified as a Variant of Uncertain Significance.

NM_002227.4(JAK1):c.1048C>T (p.His350Tyr)

Gene: JAK1 (Janus kinase 1; minus strand). Cytogenetic location: 1p31.3.
Variant type: single nucleotide variant.
Coding change: c.1048C>T on transcript NM_002227.4 (MANE Select); coding-DNA position 1048, C replaced by T.
Protein change: p.His350Tyr; replaces histidine 350 with tyrosine.
Molecular consequence: missense variant.
Genome position (GRCh38, 1-based): chr1:64,864,915, G>A on the plus strand (C>T on the coding strand, the complement: JAK1 is on the minus strand). VCF-style: chr1-64864915-G-A. GRCh37 (hg19) VCF-style: chr1-65330598-G-A.
Other names: c.1048C>T, p.His350Tyr (NM_001321852.2, NM_001321853.2, NM_001321854.2 and 4 more transcripts); short protein forms H350Y.
Identifiers: ClinVar variation 4777198 (VCV004777198.1).